The following is an entry in ClinVar:

ClinVar aggregate classification (germline): Uncertain significance (1 of 4 stars; one submission).

gnomAD v4.1: 74 of 1,614,056 alleles (0.0046%); highest among the groups gnomAD compares: Non-Finnish European, 0.0055%; no homozygotes.

Submission:

Labcorp Genetics (formerly Invitae), Labcorp
Classification: Uncertain significance. Last evaluated: 2026-02-02. Review status: criteria provided, single submitter. Criteria: Invitae Variant Classification Sherloc (09022015). Collection method: clinical testing. Allele origin: germline.
Comment: This sequence change replaces threonine, which is neutral and polar, with methionine, which is neutral and non-polar, at codon 1761 of the MYH3 protein (p.Thr1761Met). This variant is present in population databases (rs201596402, gnomAD 0.008%). This variant has not been reported in the literature in individuals affected with MYH3-related conditions. ClinVar contains an entry for this variant (Variation ID: 1523500). Invitae Evidence Modeling of protein sequence and biophysical properties (such as structural, functional, and spatial information, amino acid conservation, physicochemical variation, residue mobility, and thermodynamic stability) indicates that this missense variant is not expected to disrupt MYH3 protein function with a negative predictive value of 95%. In summary, the available evidence is currently insufficient to determine the role of this variant in disease. Therefore, it has been classified as a Variant of Uncertain Significance.

NM_002470.4(MYH3):c.5282C>T (p.Thr1761Met)

Gene: MYH3 (myosin heavy chain 3; minus strand). Cytogenetic location: 17p13.1.
Variant type: single nucleotide variant.
Coding change: c.5282C>T on transcript NM_002470.4 (MANE Select); coding-DNA position 5282, C replaced by T.
Protein change: p.Thr1761Met; replaces threonine 1761 with methionine.
Molecular consequence: missense variant.
Genome position (GRCh38, 1-based): chr17:10,631,615, G>A on the plus strand (C>T on the coding strand, the complement: MYH3 is on the minus strand). VCF-style: chr17-10631615-G-A. GRCh37 (hg19) VCF-style: chr17-10534932-G-A.
Other names: short protein forms T1761M.
Identifiers: ClinVar variation 1523500 (VCV001523500.8), dbSNP rs201596402, ClinGen allele CA8391997.